The following is an entry in ClinVar:

ClinVar aggregate classification (germline): Pathogenic (1 of 4 stars; one submission).

Submission:

GeneDx
Classification: Pathogenic. Last evaluated: 2017-02-28. Review status: criteria provided, single submitter. Criteria: GeneDx Variant Classification (06012015). Collection method: clinical testing. Allele origin: germline. Affected: yes.
Comment: The R1512X nonsense variant in the NF1 gene is predicted to cause loss of normal protein function either through protein truncation or nonsense-mediated mRNA decay. The variant is not observed in large population cohorts (Lek et al., 2016; 1000 Genomes Consortium et al., 2015; Exome Variant Server). Although this pathogenic variant has not been reported previously to our knowledge, we consider it to be pathogenic.

NM_001042492.3(NF1):c.4597A>T (p.Arg1533Ter)

Gene: NF1 (neurofibromin 1; plus strand). Cytogenetic location: 17q11.2.
Variant type: single nucleotide variant.
Coding change: c.4597A>T on transcript NM_001042492.3 (MANE Select); coding-DNA position 4597, A replaced by T.
Protein change: p.Arg1533Ter; replaces arginine 1533 with a stop codon.
Molecular consequence: nonsense.
Genome position (GRCh38, 1-based): chr17:31,261,730, A>T. VCF-style: chr17-31261730-A-T. GRCh37 (hg19) VCF-style: chr17-29588748-A-T.
Other names: c.4534A>T, p.Arg1512Ter (NM_000267.4); short protein forms R1512*, R1533*.
Identifiers: ClinVar variation 423790 (VCV000423790.2), dbSNP rs1064796633, ClinGen allele CA16620368.